The following is an entry in ClinVar:

ClinVar aggregate classification (germline): Pathogenic (1 of 4 stars; one submission).

Conditions:
Glycogen storage disease type III (GSD3). Also called: FORBES DISEASE; Cori disease. Identifiers: Orphanet 366, MedGen C0017922, MONDO:0009291, OMIM 232400.

Submission:

Labcorp Genetics (formerly Invitae), Labcorp
Classification: Pathogenic for Glycogen storage disease type III. Last evaluated: 2017-09-07. Review status: criteria provided, single submitter. Criteria: Invitae Variant Classification Sherloc (09022015). Collection method: clinical testing. Allele origin: germline.
Comment: This variant has not been reported in the literature in individuals with AGL-related disease. Loss-of-function variants in AGL are known to be pathogenic (PMID: 19299494). For these reasons, this variant has been classified as Pathogenic. This variant is not present in population databases (ExAC no frequency). This sequence change creates a premature translational stop signal (p.Tyr1464Asnfs*7) in the AGL gene. It is expected to result in an absent or disrupted protein product.

Literature cited by the submitters: PubMed 19299494.

NM_000642.3(AGL):c.4385_4389dup (p.Tyr1464fs)

Gene: AGL (amylo-alpha-1,6-glucosidase and 4-alpha-glucanotransferase; plus strand). Cytogenetic location: 1p21.2.
Variant type: Duplication.
Coding change: c.4385_4389dup on transcript NM_000642.3 (MANE Select); coding-DNA positions 4385 to 4389, 5 bases duplicated (AATTA; older notation c.4385_4389dupAATTA).
Protein change: p.Tyr1464fs; shifts the reading frame from tyrosine 1464.
Molecular consequence: frameshift variant.
Genome position (GRCh38, 1-based): chr1:99,916,635-99,916,639, AATTA duplicated; duplicating any 5 consecutive bases within chr1:99,916,634-99,916,639 gives the same sequence; the c. name uses the placement nearest the transcript's 3' end. VCF-style (leftmost placement, unchanged base first): chr1-99916633-A-AAAATT. GRCh37 (hg19) VCF-style: chr1-100382189-A-AAAATT.
Other names: c.4364_4368dup, p.Tyr1457Asnfs (NM_001425326.1); c.4184_4188dup, p.Tyr1397Asnfs (NM_001425327.1); c.4181_4185dup, p.Tyr1396Asnfs (NM_001425328.1); c.4046_4050dup, p.Tyr1351Asnfs (NM_001425329.1); c.4007_4011dup, p.Tyr1338Asnfs (NM_001425332.1); c.4385_4389dup, p.Tyr1464Asnfs (NM_000028.3, NM_000643.3, NM_000644.3 and 1 more transcripts); c.4337_4341dup, p.Tyr1448Asnfs (NM_000646.3); c.4385_4389dupAATTA (NM_000642.2); short protein forms Y1448fs, Y1464fs.
Identifiers: ClinVar variation 565317 (VCV000565317.6), dbSNP rs1557794150, ClinGen allele CA891842452.